The following is an entry in ClinVar:

NM_001144869.3(LIPT2):c.466G>C (p.Gly156Arg)

Gene: LIPT2 (lipoyl(octanoyl) transferase 2; minus strand). Cytogenetic location: 11q13.4.
Variant type: single nucleotide variant.
Coding change: c.466G>C on transcript NM_001144869.3 (MANE Select); coding-DNA position 466, G replaced by C.
Protein change: p.Gly156Arg; replaces glycine 156 with arginine.
Molecular consequence: missense variant. On other transcripts: intron variant (1).
Genome position (GRCh38, 1-based): chr11:74,493,238, C>G on the plus strand (G>C on the coding strand, the complement: LIPT2 is on the minus strand). VCF-style: chr11-74493238-C-G. GRCh37 (hg19) VCF-style: chr11-74204283-C-G.
Other names: c.466G>C, p.Gly156Arg (NM_001329941.2); c.237+229G>C (NM_001329942.2); short protein forms G156R.
Identifiers: ClinVar variation 1965942 (VCV001965942.5), dbSNP rs1864386711, ClinGen allele CA381976333.

ClinVar aggregate classification (germline): Uncertain significance (1 of 4 stars; one submission).

gnomAD v4.1: 3 of 1,347,034 alleles (0.00022%); highest among the groups gnomAD compares: African/African-American, 0.0015%; no homozygotes.

Submission:

Labcorp Genetics (formerly Invitae), Labcorp
Classification: Uncertain significance. Last evaluated: 2022-07-31. Review status: criteria provided, single submitter. Criteria: Invitae Variant Classification Sherloc (09022015). Collection method: clinical testing. Allele origin: germline.
Comment: Variants that disrupt the consensus splice site are a relatively common cause of aberrant splicing (PMID: 17576681, 9536098). Algorithms developed to predict the effect of sequence changes on RNA splicing suggest that this variant may disrupt the consensus splice site. In summary, the available evidence is currently insufficient to determine the role of this variant in disease. Therefore, it has been classified as a Variant of Uncertain Significance. Algorithms developed to predict the effect of missense changes on protein structure and function are either unavailable or do not agree on the potential impact of this missense change (SIFT: "Not Available"; PolyPhen-2: "Probably Damaging"; Align-GVGD: "Not Available"). This sequence change replaces glycine, which is neutral and non-polar, with arginine, which is basic and polar, at codon 156 of the LIPT2 protein (p.Gly156Arg). This variant also falls at the last nucleotide of exon 1, which is part of the consensus splice site for this exon. This variant is not present in population databases (gnomAD no frequency). This variant has not been reported in the literature in individuals affected with LIPT2-related conditions.

Literature cited by the submitters: PubMed 17576681; PubMed 9536098.